The following is an entry in ClinVar:

NM_000136.3(FANCC):c.127G>A (p.Glu43Lys)

Gene: FANCC (FA complementation group C; minus strand). Cytogenetic location: 9q22.32.
Variant type: single nucleotide variant.
Coding change: c.127G>A on transcript NM_000136.3 (MANE Select); coding-DNA position 127, G replaced by A.
Protein change: p.Glu43Lys; replaces glutamic acid 43 with lysine.
Molecular consequence: missense variant.
Genome position (GRCh38, 1-based): chr9:95,249,165, C>T on the plus strand (G>A on the coding strand, the complement: FANCC is on the minus strand). VCF-style: chr9-95249165-C-T. GRCh37 (hg19) VCF-style: chr9-98011447-C-T.
Other names: p.E43K:GAG>AAG; c.127G>A, p.Glu43Lys (NM_001243743.2, NM_001243744.2); short protein forms E43K.
Identifiers: ClinVar variation 182493 (VCV000182493.22), dbSNP rs374836770, ClinGen allele CA299206.
Genomic context (GRCh38, chr9:95,249,165, plus strand): 5'-ATTATTCTGGTCCACTACTTACCATCTCTTTCAAGGCTTCATACATCTTCCTTAGGAACT[C>T]CTGGAACTGAGCCACGTGAAGACAGGTGTCTTGCTGGGTTTCCAAAGTGGAAGCCTGATC-3'
Protein context (NP_000127.2, residues 33-53): DTCLHVAQFQ[Glu43Lys]FLRKMYEALK

ClinVar aggregate classification (germline): Conflicting classifications of pathogenicity. Review status: criteria provided, conflicting classifications (1 of 4 stars). 9 submissions from 9 submitters: Uncertain significance (7); Likely benign (1). 1 of the submissions does not count toward it. Last evaluated 2024-11-05.

Conditions:
Fanconi anemia complementation group A (FANCA). Also called: FANCA-Related Fanconi Anemia; Fanconi anemia, group A. Identifiers: Orphanet 84, MedGen C3469521, MONDO:0009215, OMIM 227650.
Hereditary cancer-predisposing syndrome. Also called: Tumor predisposition; Hereditary Cancer Syndrome; Hereditary neoplastic syndrome; Neoplastic Syndromes, Hereditary. Identifiers: Orphanet 140162, MedGen C0027672, MeSH D009386, MONDO:0015356.
Fanconi anemia (FA). Also called: Fanconi's anemia. Identifiers: Orphanet 84, MedGen C0015625, MeSH D005199, MONDO:0019391.
Fanconi anemia complementation group C (FANCC). Also called: FANCONI PANCYTOPENIA, TYPE 3; FACC; FANCC-Related Fanconi Anemia; Fanconi anemia, group C. Identifiers: Orphanet 84, MedGen C3468041, MONDO:0009213, OMIM 227645.

Allele frequency attached by ClinVar (database versions not stated): gnomAD exomes below 0.00001 and 0.00001; gnomAD 0.00003 and 0.00006; TOPMed 0.00005.

Submissions (9):

Ambry Genetics
Classification: Likely benign for Hereditary cancer-predisposing syndrome. Last evaluated: 2024-11-05. Review status: criteria provided, single submitter. Criteria: Ambry Variant Classification Scheme 2023. Collection method: clinical testing. Allele origin: germline.

Labcorp Genetics (formerly Invitae), Labcorp
Classification: Uncertain significance for Fanconi anemia. Last evaluated: 2024-06-12. Review status: criteria provided, single submitter. Criteria: Invitae Variant Classification Sherloc (09022015). Collection method: clinical testing. Allele origin: germline.
Comment: This sequence change replaces glutamic acid, which is acidic and polar, with lysine, which is basic and polar, at codon 43 of the FANCC protein (p.Glu43Lys). This variant is present in population databases (rs374836770, gnomAD 0.02%). This variant has not been reported in the literature in individuals affected with FANCC-related conditions. ClinVar contains an entry for this variant (Variation ID: 182493). Advanced modeling of protein sequence and biophysical properties (such as structural, functional, and spatial information, amino acid conservation, physicochemical variation, residue mobility, and thermodynamic stability) performed at Invitae indicates that this missense variant is not expected to disrupt FANCC protein function with a negative predictive value of 80%. In summary, the available evidence is currently insufficient to determine the role of this variant in disease. Therefore, it has been classified as a Variant of Uncertain Significance.

GeneDx
Classification: Uncertain significance. Last evaluated: 2024-03-25. Review status: criteria provided, single submitter. Criteria: GeneDx Variant Classification Process June 2021. Collection method: clinical testing. Allele origin: germline. Affected: yes.
Comment: Not observed at significant frequency in large population cohorts (gnomAD); In silico analysis supports that this missense variant does not alter protein structure/function; Has not been previously published as pathogenic or benign to our knowledge; This variant is associated with the following publications: (PMID: Gordon2000[Book])

Fulgent Genetics
Classification: Uncertain significance for Fanconi anemia complementation group C. Last evaluated: 2024-03-08. Review status: criteria provided, single submitter. Criteria: ACMG Guidelines, 2015. Collection method: clinical testing. Allele origin: germline.

Sema4
Classification: Uncertain significance for Fanconi anemia. Last evaluated: 2022-02-02. Review status: criteria provided, single submitter. Criteria: Sema4 Curation Guidelines. Collection method: curation. Allele origin: germline.
Comment: The FANCC c.127G>A (p.E43K) variant has not been reported in the literature to our knowledge. This variant was observed in 4/24966 chromosomes in the African/African American population according to the Genome Aggregation Database (PMID: 32461654), and has been reported in ClinVar (Variation ID: 182493). In silico tools suggest the impact of the variant on protein function is benign, though these predictions have not been confirmed by functional studies. The evidence is insufficient to meet ACMG/AMP criteria for classifying the variant as benign or pathogenic. Thus, the clinical significance of this variant is currently uncertain.

Baylor Genetics
Classification: Uncertain significance for Fanconi anemia complementation group C. Last evaluated: 2020-01-07. Review status: criteria provided, single submitter. Criteria: ACMG Guidelines, 2015. Collection method: clinical testing. Allele origin: unknown. Affected: yes. Study: CSER-TexasKidsCanSeq.
Comment: This variant was determined to be of uncertain significance according to ACMG Guidelines, 2015 [PMID:25741868].

Mendelics
Classification: Uncertain significance for Fanconi anemia complementation group A. Last evaluated: 2019-05-28. Review status: criteria provided, single submitter. Criteria: Mendelics Assertion Criteria 2017. Collection method: clinical testing. Allele origin: unknown.

Breakthrough Genomics
Classification: Uncertain significance. Review status: criteria provided, single submitter. Criteria: ACMG Guidelines, 2015. Collection method: not provided. Allele origin: germline. Inheritance: Autosomal recessive inheritance. Affected: yes.

Natera, Inc.
Classification: Uncertain significance for Fanconi anemia, group C. Last evaluated: 2018-07-02. Review status: no assertion criteria provided. Collection method: clinical testing. Allele origin: germline. Not counted in ClinVar's aggregate classification.